The following is an entry in ClinVar:

ClinVar aggregate classification (germline): Likely benign (1 of 4 stars; one submission).

Conditions:
Biotin-responsive basal ganglia disease (BTBGD). Also called: Thiamine Transporter-2 Deficiency; THIAMINE METABOLISM DYSFUNCTION SYNDROME 2 (BIOTIN- AND THIAMINE-RESPONSIVE TYPE); Thiamine metabolism dysfunction syndrome type 2; Thiamine metabolism dysfunction syndrome 2 (biotin- or thiamine-responsive encephalopathy type 2); thiamine-responsive encephalopathy. Identifiers: Orphanet 199348, Orphanet 65284, MedGen C1843807, MONDO:0011841, OMIM 607483.

Allele frequency attached by ClinVar (database versions not stated): gnomAD exomes 0.00037; gnomAD 0.00341 and 0.00364; TOPMed 0.00386; 1000 Genomes Project 0.00439; 1000 Genomes Project 30x 0.00500.
gnomAD v4.1: 539 of 201,124 alleles (0.27%); highest among the groups gnomAD compares: African/African-American, 1.1%; 3 homozygotes.

Submission:

Illumina Laboratory Services, Illumina
Classification: Likely benign for Biotin-responsive basal ganglia disease. Last evaluated: 2018-01-13. Review status: criteria provided, single submitter. Criteria: ICSL Variant Classification Criteria 13 December 2019. Collection method: clinical testing. Allele origin: germline.
Comment: This variant was observed in the ICSL laboratory as part of a predisposition screen in an ostensibly healthy population. It had not been previously curated by ICSL or reported in the Human Gene Mutation Database (HGMD: prior to June 1st, 2018), and was therefore a candidate for classification through an automated scoring system. Utilizing variant allele frequency, disease prevalence and penetrance estimates, and inheritance mode, an automated score was calculated to assess if this variant is too frequent to cause the disease. Based on the score and internal cut-off values, a variant classified as likely benign is not then subjected to further curation. The score for this variant resulted in a classification of likely benign for this disease.

NM_025243.4(SLC19A3):c.*348A>C

Gene: SLC19A3 (solute carrier family 19 member 3; minus strand). Cytogenetic location: 2q36.3.
Variant type: single nucleotide variant.
Coding change: c.*348A>C on transcript NM_025243.4 (MANE Select); 348 bases downstream of the stop codon, A replaced by C.
Molecular consequence: 3 prime UTR variant.
Genome position (GRCh38, 1-based): chr2:227,687,049, T>G on the plus strand (A>C on the coding strand, the complement: SLC19A3 is on the minus strand). VCF-style: chr2-227687049-T-G. GRCh37 (hg19) VCF-style: chr2-228551765-T-G.
Identifiers: ClinVar variation 334869 (VCV000334869.5), dbSNP rs112957132, ClinGen allele CA10613073.